The following is an entry in ClinVar:

ClinVar aggregate classification (germline): Benign/Likely benign. Review status: criteria provided, multiple submitters, no conflicts (2 of 4 stars). 3 submissions from 3 submitters: Benign (1); Likely benign (2). Last evaluated 2024-03-18.

Conditions:
Hereditary cancer-predisposing syndrome. Also called: Neoplastic Syndromes, Hereditary; Hereditary neoplastic syndrome; Hereditary Cancer Syndrome; Tumor predisposition. Identifiers: Orphanet 140162, MedGen C0027672, MeSH D009386, MONDO:0015356.
Familial adenomatous polyposis 1 (FAP1). Also called: FAMILIAL ADENOMATOUS POLYPOSIS 1, ATTENUATED; POLYPOSIS, ADENOMATOUS INTESTINAL. Identifiers: MedGen C2713442, MONDO:0021056, OMIM 175100. Disease mechanism: loss of function.

gnomAD v4.1: 2 of 1,613,926 alleles (0.00012%); highest among the groups gnomAD compares: Non-Finnish European, 0.00017%; no homozygotes.

Submissions (3):

Myriad Genetics, Inc.
Classification: Benign for Familial adenomatous polyposis 1. Last evaluated: 2024-03-18. Review status: criteria provided, single submitter. Criteria: Myriad Autosomal Dominant, Autosomal Recessive and X-Linked Classification Criteria (2023). Collection method: clinical testing. Allele origin: unknown.
Comment: This variant is considered benign. This variant is a silent/synonymous amino acid change and it is not expected to impact splicing.

Ambry Genetics
Classification: Likely benign for Hereditary cancer-predisposing syndrome. Last evaluated: 2023-11-22. Review status: criteria provided, single submitter. Criteria: Ambry Variant Classification Scheme 2023. Collection method: clinical testing. Allele origin: germline.

Labcorp Genetics (formerly Invitae), Labcorp
Classification: Likely benign for Familial adenomatous polyposis 1. Last evaluated: 2022-11-21. Review status: criteria provided, single submitter. Criteria: Invitae Variant Classification Sherloc (09022015). Collection method: clinical testing. Allele origin: germline.

NM_000038.6(APC):c.3378C>T (p.Ser1126=)

Gene: APC (APC regulator of Wnt signaling pathway; plus strand). Cytogenetic location: 5q22.2.
Variant type: single nucleotide variant.
Coding change: c.3378C>T on transcript NM_000038.6 (MANE Select); coding-DNA position 3378, C replaced by T.
Protein change: p.Ser1126=; no amino-acid change (serine 1126 retained).
Molecular consequence: synonymous variant.
Genome position (GRCh38, 1-based): chr5:112,838,972, C>T. VCF-style: chr5-112838972-C-T. GRCh37 (hg19) VCF-style: chr5-112174669-C-T.
Other names: c.3378C>T (NM_000038.5); c.3378C>T, p.Ser1126= (NM_001127510.3, NM_001354895.2); c.3324C>T, p.Ser1108= (NM_001127511.3); c.3432C>T, p.Ser1144= (NM_001354896.2); c.3408C>T, p.Ser1136= (NM_001354897.2); c.3303C>T, p.Ser1101= (NM_001354898.2); c.3294C>T, p.Ser1098= (NM_001354899.2); c.3255C>T, p.Ser1085= (NM_001354900.2); and 6 more.
Identifiers: ClinVar variation 1624673 (VCV001624673.9), dbSNP rs149353082, ClinGen allele CA445963768.